The following is an entry in ClinVar:

ClinVar aggregate classification (germline): Likely pathogenic (1 of 4 stars; one submission).

Conditions:
Intellectual developmental disorder, autosomal dominant 65. Also called: MENTAL RETARDATION, AUTOSOMAL DOMINANT 65. Identifiers: MedGen C5543371, MONDO:0023657, OMIM 619320.

Submission:

Institute of Human Genetics, FAU Erlangen, Friedrich-Alexander-Universität Erlangen-Nürnberg
Classification: Likely pathogenic for Intellectual developmental disorder, autosomal dominant 65. Last evaluated: 2024-03-26. Review status: criteria provided, single submitter. Criteria: Hauer et al. (Genet Med. 2018). Collection method: clinical testing. Allele origin: germline. Inheritance: Autosomal dominant inheritance. Affected: yes. Observed: 1 variant allele.
Comment: This variant has been identified by standard clinical testing. Selected ACMG criteria: Likely pathogenic (I):PM2;PVS1

NM_015015.3(KDM4B):c.994_998del (p.Leu332fs)

Gene: KDM4B (lysine demethylase 4B; plus strand). Cytogenetic location: 19p13.3.
Variant type: Deletion.
Coding change: c.994_998del on transcript NM_015015.3 (MANE Select); coding-DNA positions 994 to 998, 5 bases deleted (CTGTG; older notation c.994_998delCTGTG).
Protein change: p.Leu332fs; shifts the reading frame from leucine 332.
Molecular consequence: frameshift variant.
Genome position (GRCh38, 1-based): chr19:5,110,697-5,110,701, CTGTG deleted; deleting any 5 consecutive bases within chr19:5,110,696-5,110,701 gives the same sequence; the c. name uses the placement nearest the transcript's 3' end. VCF-style (leftmost placement, unchanged base first): chr19-5110695-AGCTGT-A. GRCh37 (hg19) VCF-style: chr19-5110706-AGCTGT-A.
Other names: c.994_998del, p.Leu332fs (NM_001370093.1, NM_001370094.1, NM_001411148.1); short protein forms L332fs.
Identifiers: ClinVar variation 3062355 (VCV003062355.1), dbSNP rs2512537089, ClinGen allele CA2740091852.